The following is an entry in ClinVar:

ClinVar aggregate classification (germline): Uncertain significance. Review status: criteria provided, multiple submitters, no conflicts (2 of 4 stars). 2 submissions from 2 submitters: Uncertain significance (2). Last evaluated 2025-05-18.

Conditions:
Hereditary cancer-predisposing syndrome. Also called: Neoplastic Syndromes, Hereditary; Hereditary Cancer Syndrome; Tumor predisposition; Hereditary neoplastic syndrome. Identifiers: Orphanet 140162, MedGen C0027672, MeSH D009386, MONDO:0015356.

Allele frequency attached by ClinVar (database versions not stated): ExAC 0.00001; gnomAD 0.00001.
gnomAD v4.1: 1 of 1,608,682 alleles (0.000062%); highest among the groups gnomAD compares: East Asian, 0.0022%; no homozygotes.

Submissions (2):

Ambry Genetics
Classification: Uncertain significance for Hereditary cancer-predisposing syndrome. Last evaluated: 2025-05-18. Review status: criteria provided, single submitter. Criteria: Ambry Variant Classification Scheme 2023. Collection method: clinical testing. Allele origin: germline.
Comment: The p.A1690T variant (also known as c.5068G>A), located in coding exon 38 of the POLE gene, results from a G to A substitution at nucleotide position 5068. The alanine at codon 1690 is replaced by threonine, an amino acid with similar properties. This amino acid position is conserved. In addition, this alteration is predicted to be tolerated by in silico analysis. Based on the available evidence, the clinical significance of this variant remains unclear.

Labcorp Genetics (formerly Invitae), Labcorp
Classification: Uncertain significance. Last evaluated: 2024-10-23. Review status: criteria provided, single submitter. Criteria: Invitae Variant Classification Sherloc (09022015). Collection method: clinical testing. Allele origin: germline.
Comment: This sequence change replaces alanine, which is neutral and non-polar, with threonine, which is neutral and polar, at codon 1690 of the POLE protein (p.Ala1690Thr). This variant is not present in population databases (gnomAD no frequency). This variant has not been reported in the literature in individuals affected with POLE-related conditions. ClinVar contains an entry for this variant (Variation ID: 574273). Invitae Evidence Modeling of protein sequence and biophysical properties (such as structural, functional, and spatial information, amino acid conservation, physicochemical variation, residue mobility, and thermodynamic stability) indicates that this missense variant is not expected to disrupt POLE protein function with a negative predictive value of 80%. In summary, the available evidence is currently insufficient to determine the role of this variant in disease. Therefore, it has been classified as a Variant of Uncertain Significance.

NM_006231.4(POLE):c.5068G>A (p.Ala1690Thr)

Gene: POLE (DNA polymerase epsilon, catalytic subunit; minus strand). Cytogenetic location: 12q24.33.
Variant type: single nucleotide variant.
Coding change: c.5068G>A on transcript NM_006231.4 (MANE Select); coding-DNA position 5068, G replaced by A.
Protein change: p.Ala1690Thr; replaces alanine 1690 with threonine.
Molecular consequence: missense variant.
Genome position (GRCh38, 1-based): chr12:132,642,282, C>T on the plus strand (G>A on the coding strand, the complement: POLE is on the minus strand). VCF-style: chr12-132642282-C-T. GRCh37 (hg19) VCF-style: chr12-133218868-C-T.
Other names: c.5068G>A (NM_006231.2); short protein forms A1690T.
Identifiers: ClinVar variation 574273 (VCV000574273.9), dbSNP rs757148947, ClinGen allele CA6892632.